The following is an entry in ClinVar:

ClinVar aggregate classification (germline): Uncertain significance (1 of 4 stars; one submission).

Conditions:
Familial adenomatous polyposis 1 (FAP1). Also called: FAMILIAL ADENOMATOUS POLYPOSIS 1, ATTENUATED; POLYPOSIS, ADENOMATOUS INTESTINAL. Identifiers: MedGen C2713442, MONDO:0021056, OMIM 175100. Disease mechanism: loss of function.

Submission:

Labcorp Genetics (formerly Invitae), Labcorp
Classification: Uncertain significance for Familial adenomatous polyposis 1. Last evaluated: 2021-10-06. Review status: criteria provided, single submitter. Criteria: Invitae Variant Classification Sherloc (09022015). Collection method: clinical testing. Allele origin: germline.
Comment: This variant is not present in population databases (ExAC no frequency). In summary, the available evidence is currently insufficient to determine the role of this variant in disease. Therefore, it has been classified as a Variant of Uncertain Significance. Algorithms developed to predict the effect of missense changes on protein structure and function (SIFT, PolyPhen-2, Align-GVGD) all suggest that this variant is likely to be tolerated. This variant has not been reported in the literature in individuals affected with APC-related conditions. This sequence change replaces glutamic acid with valine at codon 461 of the APC protein (p.Glu461Val). The glutamic acid residue is highly conserved and there is a moderate physicochemical difference between glutamic acid and valine.

NM_000038.6(APC):c.1382A>T (p.Glu461Val)

Gene: APC (APC regulator of Wnt signaling pathway; plus strand). Cytogenetic location: 5q22.2.
Variant type: single nucleotide variant.
Coding change: c.1382A>T on transcript NM_000038.6 (MANE Select); coding-DNA position 1382, A replaced by T.
Protein change: p.Glu461Val; replaces glutamic acid 461 with valine.
Molecular consequence: missense variant.
Genome position (GRCh38, 1-based): chr5:112,821,965, A>T. VCF-style: chr5-112821965-A-T. GRCh37 (hg19) VCF-style: chr5-112157662-A-T.
Other names: c.1382A>T, p.Glu461Val (NM_001127510.3, NM_001354895.2, NM_001354896.2); c.1328A>T, p.Glu443Val (NM_001127511.3); c.1412A>T, p.Glu471Val (NM_001354897.2); c.1307A>T, p.Glu436Val (NM_001354898.2); c.1298A>T, p.Glu433Val (NM_001354899.2); c.1205A>T, p.Glu402Val (NM_001354900.2, NM_001354901.2); c.1109A>T, p.Glu370Val (NM_001354902.2); c.1079A>T, p.Glu360Val (NM_001354903.2); and 3 more; short protein forms E335V, E360V, E402V, E433V, E461V, E301V, E178V, E370V.
Identifiers: ClinVar variation 1519008 (VCV001519008.6), dbSNP rs2149792544, ClinGen allele CA16024334.